The following is an entry in ClinVar:

ClinVar aggregate classification (germline): Benign (1 of 4 stars; one submission).

Conditions:
Neuropathy, hereditary sensory and autonomic, type 1C. Also called: HSAN IC; HSN IC. Identifiers: Orphanet 36386, MedGen C3150896, MONDO:0013337, OMIM 613640.

Allele frequency attached by ClinVar (database versions not stated): gnomAD 0.02561 and 0.02739; TOPMed 0.02833; 1000 Genomes Project 0.03115; 1000 Genomes Project 30x 0.03139.

Submission:

Illumina Laboratory Services, Illumina
Classification: Benign for Neuropathy, hereditary sensory and autonomic, type 1C. Last evaluated: 2018-01-13. Review status: criteria provided, single submitter. Criteria: ICSL Variant Classification Criteria 13 December 2019. Collection method: clinical testing. Allele origin: germline.
Comment: This variant was observed in the ICSL laboratory as part of a predisposition screen in an ostensibly healthy population. It had not been previously curated by ICSL or reported in the Human Gene Mutation Database (HGMD: prior to June 1st, 2018), and was therefore a candidate for classification through an automated scoring system. Utilizing variant allele frequency, disease prevalence and penetrance estimates, and inheritance mode, an automated score was calculated to assess if this variant is too frequent to cause the disease. Based on the score and internal cut-off values, a variant classified as benign is not then subjected to further curation. The score for this variant resulted in a classification of benign for this disease.

NM_004863.4(SPTLC2):c.*4914C>T

Gene: SPTLC2 (serine palmitoyltransferase long chain base subunit 2; minus strand). Cytogenetic location: 14q24.3.
Variant type: single nucleotide variant.
Coding change: c.*4914C>T on transcript NM_004863.4 (MANE Select); 4914 bases downstream of the stop codon, C replaced by T.
Molecular consequence: 3 prime UTR variant.
Genome position (GRCh38, 1-based): chr14:77,507,370, G>A on the plus strand (C>T on the coding strand, the complement: SPTLC2 is on the minus strand). VCF-style: chr14-77507370-G-A. GRCh37 (hg19) VCF-style: chr14-77973713-G-A.
Identifiers: ClinVar variation 314581 (VCV000314581.5), dbSNP rs150007923, ClinGen allele CA10645051.